The following is an entry in ClinVar:

ClinVar aggregate classification (germline): Likely benign (1 of 4 stars; one submission).

Submission:

CeGaT Center for Human Genetics Tuebingen
Classification: Likely benign. Last evaluated: 2026-06-01. Review status: criteria provided, single submitter. Criteria: CeGaT Center For Human Genetics Tuebingen Variant Classification Criteria Version 2. Collection method: clinical testing. Allele origin: germline. Affected: yes. Observed: 1 variant allele.
Comment: DYNC1H1: PM2:Supporting, BP4, BP7

NM_001376.5(DYNC1H1):c.39G>A (p.Ser13=)

Gene: DYNC1H1 (dynein cytoplasmic 1 heavy chain 1; plus strand). Cytogenetic location: 14q32.31.
Variant type: single nucleotide variant.
Coding change: c.39G>A on transcript NM_001376.5 (MANE Select); coding-DNA position 39, G replaced by A.
Protein change: p.Ser13=; no amino-acid change (serine 13 retained).
Molecular consequence: synonymous variant.
Genome position (GRCh38, 1-based): chr14:101,964,730, G>A. VCF-style: chr14-101964730-G-A. GRCh37 (hg19) VCF-style: chr14-102431067-G-A.
Identifiers: ClinVar variation 4875151 (VCV004875151.2).